The following is an entry in ClinVar:

ClinVar aggregate classification (germline): Uncertain significance (1 of 4 stars; one submission).

Conditions:
Ullrich congenital muscular dystrophy 2 (UCMD2). Identifiers: Orphanet 75840, MedGen C4225314, MONDO:0014654, OMIM 616470.
Bethlem myopathy 2 (BTHLM2). Identifiers: Orphanet 536516, Orphanet 610, MedGen C4225313, MONDO:0034022, OMIM 616471.

Allele frequency attached by ClinVar (database versions not stated): gnomAD exomes below 0.00001; TOPMed 0.00002; gnomAD 0.00003; ESP Exome Variant Server 0.00009.
gnomAD v4.1: 9 of 1,593,888 alleles (0.00056%); highest among the groups gnomAD compares: Admixed American, 0.0019%; no homozygotes.

Submission:

Labcorp Genetics (formerly Invitae), Labcorp
Classification: Uncertain significance for Bethlem myopathy 2; Ullrich congenital muscular dystrophy 2. Last evaluated: 2023-12-30. Review status: criteria provided, single submitter. Criteria: Invitae Variant Classification Sherloc (09022015). Collection method: clinical testing. Allele origin: germline.
Comment: This sequence change replaces arginine, which is basic and polar, with tryptophan, which is neutral and slightly polar, at codon 1086 of the COL12A1 protein (p.Arg1086Trp). The frequency data for this variant in the population databases is considered unreliable, as metrics indicate poor data quality at this position in the gnomAD database. This variant has not been reported in the literature in individuals affected with COL12A1-related conditions. Advanced modeling of protein sequence and biophysical properties (such as structural, functional, and spatial information, amino acid conservation, physicochemical variation, residue mobility, and thermodynamic stability) performed at Invitae indicates that this missense variant is not expected to disrupt COL12A1 protein function with a negative predictive value of 80%. In summary, the available evidence is currently insufficient to determine the role of this variant in disease. Therefore, it has been classified as a Variant of Uncertain Significance.

NM_004370.6(COL12A1):c.3256C>T (p.Arg1086Trp)

Gene: COL12A1 (collagen type XII alpha 1 chain; minus strand). Cytogenetic location: 6q13.
Variant type: single nucleotide variant.
Coding change: c.3256C>T on transcript NM_004370.6 (MANE Select); coding-DNA position 3256, C replaced by T.
Protein change: p.Arg1086Trp; replaces arginine 1086 with tryptophan.
Molecular consequence: missense variant. On other transcripts: intron variant (2).
Genome position (GRCh38, 1-based): chr6:75,155,849, G>A on the plus strand (C>T on the coding strand, the complement: COL12A1 is on the minus strand). VCF-style: chr6-75155849-G-A. GRCh37 (hg19) VCF-style: chr6-75865565-G-A.
Other names: c.3256C>T, p.Arg1086Trp (NM_001424113.1, NM_001424114.1); c.2983C>T, p.Arg995Trp (NM_001424115.1); c.74-3367C>T (NM_001424116.1, NM_080645.3); short protein forms R1086W, R995W.
Identifiers: ClinVar variation 2937428 (VCV002937428.3), dbSNP rs371880506, ClinGen allele CA141011515.
Genomic context (GRCh38, chr6:75,155,849, plus strand): 5'-TCACTCGGAAGCTTGACATGGTTGGGTCAGATGTTTTGAGGTTTCTAGGAGACTTAAACC[G>A]AGAAGCTGTAAAGACAAAAAGATTTTTAAAATATTATCTGTAAGACTAGGCTTTGGGGTT-3'
Protein context (NP_004361.3, residues 1076-1096): LRQGSGTTAS[Arg1086Trp]FKSPRNLKTS